The following is an entry in ClinVar:

NM_007227.3(GPR45):c.640G>A (p.Ala214Thr)

Gene: GPR45 (G protein-coupled receptor 45; plus strand). Cytogenetic location: 2q12.1.
Variant type: single nucleotide variant.
Coding change: c.640G>A on transcript NM_007227.3 (MANE Select); coding-DNA position 640, G replaced by A.
Protein change: p.Ala214Thr; replaces alanine 214 with threonine.
Molecular consequence: missense variant.
Genome position (GRCh38, 1-based): chr2:105,242,498, G>A. VCF-style: chr2-105242498-G-A. GRCh37 (hg19) VCF-style: chr2-105858955-G-A.
Other names: short protein forms A214T.
Identifiers: ClinVar variation 2176650 (VCV002176650.4), dbSNP rs202232782, ClinGen allele CA1813629.

ClinVar aggregate classification (germline): Uncertain significance (1 of 4 stars; one submission).

Allele frequency attached by ClinVar (database versions not stated): ExAC 0.00001.

Submission:

Labcorp Genetics (formerly Invitae), Labcorp
Classification: Uncertain significance. Last evaluated: 2022-07-25. Review status: criteria provided, single submitter. Criteria: Invitae Variant Classification Sherloc (09022015). Collection method: clinical testing. Allele origin: germline.
Comment: This sequence change replaces alanine, which is neutral and non-polar, with threonine, which is neutral and polar, at codon 214 of the GPR45 protein (p.Ala214Thr). In summary, the available evidence is currently insufficient to determine the role of this variant in disease. Therefore, it has been classified as a Variant of Uncertain Significance. Algorithms developed to predict the effect of missense changes on protein structure and function are either unavailable or do not agree on the potential impact of this missense change (SIFT: "Deleterious"; PolyPhen-2: "Benign"; Align-GVGD: "Class C0"). This variant has not been reported in the literature in individuals affected with GPR45-related conditions. This variant is present in population databases (rs202232782, gnomAD 0.01%).